The following is an entry in ClinVar:

ClinVar aggregate classification (germline): Pathogenic (1 of 4 stars; one submission).

Conditions:
Hereditary cancer-predisposing syndrome. Also called: Neoplastic Syndromes, Hereditary; Tumor predisposition; Hereditary Cancer Syndrome; Hereditary neoplastic syndrome. Identifiers: Orphanet 140162, MedGen C0027672, MeSH D009386, MONDO:0015356.

Submission:

Ambry Genetics
Classification: Pathogenic for Hereditary cancer-predisposing syndrome. Last evaluated: 2019-05-23. Review status: criteria provided, single submitter. Criteria: Ambry Variant Classification Scheme 2023. Collection method: clinical testing. Allele origin: germline.
Comment: The c.1537delC pathogenic mutation, located in coding exon 9 of the ATM gene, results from a deletion of one nucleotide at nucleotide position 1537, causing a translational frameshift with a predicted alternate stop codon (p.Q513Rfs*4). This alteration is expected to result in loss of function by premature protein truncation or nonsense-mediated mRNA decay. As such, this alteration is interpreted as a disease-causing mutation.

NM_000051.4(ATM):c.1537del (p.Gln513fs)

Gene: ATM (ATM serine/threonine kinase; plus strand). Cytogenetic location: 11q22.3.
Variant type: Deletion.
Coding change: c.1537del on transcript NM_000051.4 (MANE Select); coding-DNA position 1537, one base deleted (C; older notation c.1537delC).
Protein change: p.Gln513fs; shifts the reading frame from glutamine 513.
Molecular consequence: frameshift variant.
Genome position (GRCh38, 1-based): chr11:108,251,002, C deleted. VCF-style (leftmost placement, unchanged base first): chr11-108251001-TC-T. GRCh37 (hg19) VCF-style: chr11-108121728-TC-T.
Other names: c.1537del, p.Gln513fs (NM_001351834.2); short protein forms Q513fs.
Identifiers: ClinVar variation 819495 (VCV000819495.4), dbSNP rs1591524613, ClinGen allele CA915948349.